The following is an entry in ClinVar:

NM_052844.4(DYNC2I2):c.1066G>A (p.Gly356Ser)

Genes: DYNC2I2 (dynein 2 intermediate chain 2; minus strand), LOC126860772 (CDK7 strongly-dependent group 2 enhancer GRCh37_chr9:131396972-131398171; plus strand). Cytogenetic location: 9q34.11.
Variant type: single nucleotide variant.
Coding change: c.1066G>A on transcript NM_052844.4 (MANE Select); coding-DNA position 1066, G replaced by A.
Protein change: p.Gly356Ser; replaces glycine 356 with serine.
Molecular consequence: missense variant.
Genome position (GRCh38, 1-based): chr9:128,634,837, C>T on the plus strand (G>A on the coding strand, the complement: DYNC2I2 is on the minus strand). VCF-style: chr9-128634837-C-T. GRCh37 (hg19) VCF-style: chr9-131397116-C-T.
Other names: short protein forms G356S.
Identifiers: ClinVar variation 474844 (VCV000474844.40), dbSNP rs17849504, ClinGen allele CA5266354.

ClinVar aggregate classification (germline): Benign/Likely benign. Review status: criteria provided, multiple submitters, no conflicts (2 of 4 stars). 6 submissions from 6 submitters: Benign (1); Likely benign (4). 1 of the submissions does not count toward it. Last evaluated 2026-04-01.

Conditions:
Short-rib thoracic dysplasia 11 with or without polydactyly (SRTD11). Also called: SHORT-RIB THORACIC DYSPLASIA 11 WITHOUT POLYDACTYLY. Identifiers: Orphanet 474, Orphanet 93271, MedGen C3810200, MONDO:0014287, OMIM 615633.
DYNC2I2-related disorder. Also called: DYNC2I2-related condition.

Allele frequency attached by ClinVar (database versions not stated): TOPMed 0.00241; gnomAD 0.00244 and 0.00268; 1000 Genomes Project 30x 0.00281; ESP Exome Variant Server 0.00285; 1000 Genomes Project 0.00339.

Submissions (6):

CeGaT Center for Human Genetics Tuebingen
Classification: Likely benign. Last evaluated: 2026-04-01. Review status: criteria provided, single submitter. Criteria: CeGaT Center For Human Genetics Tuebingen Variant Classification Criteria Version 2. Collection method: clinical testing. Allele origin: germline. Affected: yes. Observed: 11 variant alleles.
Comment: DYNC2I2: BS2

Labcorp Genetics (formerly Invitae), Labcorp
Classification: Benign for Short-rib thoracic dysplasia 11 with or without polydactyly. Last evaluated: 2026-02-01. Review status: criteria provided, single submitter. Criteria: Invitae Variant Classification Sherloc (09022015). Collection method: clinical testing. Allele origin: germline.

Fulgent Genetics
Classification: Likely benign for Short-rib thoracic dysplasia 11 with or without polydactyly. Last evaluated: 2022-05-18. Review status: criteria provided, single submitter. Criteria: ACMG Guidelines, 2015. Collection method: clinical testing. Allele origin: unknown.

GeneDx
Classification: Likely benign. Last evaluated: 2020-04-07. Review status: criteria provided, single submitter. Criteria: GeneDx Variant Classification Process June 2021. Collection method: clinical testing. Allele origin: germline. Affected: yes.
Comment: This variant is associated with the following publications: (PMID: 32576942)

Breakthrough Genomics
Classification: Likely benign. Review status: criteria provided, single submitter. Criteria: ACMG Guidelines, 2015. Collection method: not provided. Allele origin: germline. Inheritance: Autosomal recessive inheritance. Affected: yes.

PreventionGenetics, part of Exact Sciences
Classification: Likely benign for DYNC2I2-related condition. Last evaluated: 2019-03-27. Review status: no assertion criteria provided. Collection method: clinical testing. Allele origin: germline. Not counted in ClinVar's aggregate classification.
Comment: This variant is classified as likely benign based on ACMG/AMP sequence variant interpretation guidelines (Richards et al. 2015 PMID: 25741868, with internal and published modifications).